The following is an entry in ClinVar:

NM_001395205.1(TDRD1):c.612C>T (p.Ile204=)

Gene: TDRD1 (tudor domain containing 1; plus strand). Cytogenetic location: 10q25.3.
Variant type: single nucleotide variant.
Coding change: c.612C>T on transcript NM_001395205.1 (MANE Select); coding-DNA position 612, C replaced by T.
Protein change: p.Ile204=; no amino-acid change (isoleucine 204 retained).
Molecular consequence: synonymous variant.
Genome position (GRCh38, 1-based): chr10:114,201,492, C>T. VCF-style: chr10-114201492-C-T. GRCh37 (hg19) VCF-style: chr10-115961251-C-T.
Other names: c.612C>T, p.Ile204= (NM_001365891.2, NM_001385363.1, NM_001385364.2 and 9 more transcripts).
Identifiers: ClinVar variation 2640859 (VCV002640859.24), dbSNP rs755774670, ClinGen allele CA471521657.
Genomic context (GRCh38, chr10:114,201,492, plus strand): 5'-CAAGCAGACCTACTATTGCTCCACAGCATGTCAAAGAAGAGACTGGTCTGCACACAGCAT[C>T]GTGTGCAGGCCTGTTCAGCCAAAGTAAGGATTTATGATCTTTTTATTCATTAAGGATTAT-3'
Protein context (NP_001382134.1, residues 194-214): CQRRDWSAHS[Ile204=]VCRPVQPNFH

ClinVar aggregate classification (germline): Likely benign (1 of 4 stars; one submission).

gnomAD v4.1: 3 of 1,613,230 alleles (0.00019%); highest among the groups gnomAD compares: South Asian, 0.0011%; no homozygotes.

Submission:

CeGaT Center for Human Genetics Tuebingen
Classification: Likely benign. Last evaluated: 2023-11-01. Review status: criteria provided, single submitter. Criteria: CeGaT Center For Human Genetics Tuebingen Variant Classification Criteria Version 2. Collection method: clinical testing. Allele origin: germline. Affected: yes. Observed: 1 variant allele.
Comment: TDRD1: BP4, BP7